The following is an entry in ClinVar:

ClinVar aggregate classification (germline): Conflicting classifications of pathogenicity. Review status: criteria provided, conflicting classifications (1 of 4 stars). 3 submissions from 3 submitters: Uncertain significance (1); Likely benign (2). Last evaluated 2025-07-31.

Conditions:
Inborn genetic diseases. Identifiers: MedGen C0950123, MeSH D030342.
DVL3-related disorder. Also called: DVL3-related condition.

Allele frequency attached by ClinVar (database versions not stated): TOPMed 0.00006; ESP Exome Variant Server 0.00008; gnomAD exomes 0.00010 and 0.00015; gnomAD 0.00012; ExAC 0.00019.
gnomAD v4.1: 158 of 1,613,952 alleles (0.0098%); highest among the groups gnomAD compares: Non-Finnish European, 0.0083%; no homozygotes.

Submissions (3):

Labcorp Genetics (formerly Invitae), Labcorp
Classification: Likely benign. Last evaluated: 2025-07-31. Review status: criteria provided, single submitter. Criteria: Invitae Variant Classification Sherloc (09022015). Collection method: clinical testing. Allele origin: germline.

Ambry Genetics
Classification: Uncertain significance for Inborn genetic diseases. Last evaluated: 2025-02-25. Review status: criteria provided, single submitter. Criteria: Ambry Variant Classification Scheme 2023. Collection method: clinical testing. Allele origin: germline.

PreventionGenetics, part of Exact Sciences
Classification: Likely benign for DVL3-related condition. Last evaluated: 2024-10-30. Review status: criteria provided, single submitter. Criteria: ACMG Guidelines, 2015. Collection method: clinical testing. Allele origin: germline.
Comment: This variant is classified as likely benign based on ACMG/AMP sequence variant interpretation guidelines (Richards et al. 2015 PMID: 25741868, with internal and published modifications).

NM_004423.4(DVL3):c.737A>G (p.Asn246Ser)

Gene: DVL3 (dishevelled segment polarity protein 3; plus strand). Cytogenetic location: 3q27.1.
Variant type: single nucleotide variant.
Coding change: c.737A>G on transcript NM_004423.4 (MANE Select); coding-DNA position 737, A replaced by G.
Protein change: p.Asn246Ser; replaces asparagine 246 with serine.
Molecular consequence: missense variant.
Genome position (GRCh38, 1-based): chr3:184,165,465, A>G. VCF-style: chr3-184165465-A-G. GRCh37 (hg19) VCF-style: chr3-183883253-A-G.
Other names: short protein forms N246S.
Identifiers: ClinVar variation 764081 (VCV000764081.11), dbSNP rs201329929, ClinGen allele CA2727220.
Genomic context (GRCh38, chr3:184,165,465, plus strand): 5'-GCCTCTGTCTATTCCAGTCCTCGTCCTTCAGCAGCATCACGGACTCCACCATGTCACTCA[A>G]CATCATCACGGTCACTCTCAACATGGGTGAGTCTGAGGAAACAGCACTCTCAAGCACCTG-3'
Protein context (NP_004414.3, residues 236-256): SSITDSTMSL[Asn246Ser]IITVTLNMEK